The following is an entry in ClinVar:

NM_000543.5(SMPD1):c.940G>A (p.Val314Met)

Gene: SMPD1 (sphingomyelin phosphodiesterase 1; plus strand). Cytogenetic location: 11p15.4.
Variant type: single nucleotide variant.
Coding change: c.940G>A on transcript NM_000543.5 (MANE Select); coding-DNA position 940, G replaced by A.
Protein change: p.Val314Met; replaces valine 314 with methionine.
Molecular consequence: missense variant. On other transcripts: non-coding transcript variant (1), 5 prime UTR variant (1).
Genome position (GRCh38, 1-based): chr11:6,392,005, G>A. VCF-style: chr11-6392005-G-A. GRCh37 (hg19) VCF-style: chr11-6413235-G-A.
Other names: c.937G>A, p.Val313Met (NM_001007593.3); c.940G>A, p.Val314Met (NM_001318087.2, NM_001365135.2); c.-22G>A (NM_001318088.2); short protein forms V314M, V313M.
Identifiers: ClinVar variation 556090 (VCV000556090.24), dbSNP rs1228068212, ClinGen allele CA379371318.

ClinVar aggregate classification (germline): Pathogenic/Likely pathogenic. Review status: criteria provided, multiple submitters, no conflicts (2 of 4 stars). 9 submissions from 9 submitters: Pathogenic (2); Likely pathogenic (5). 2 of the submissions do not count toward it. Last evaluated 2026-01-14.

Conditions:
Acid sphingomyelinase deficiency. Identifiers: Orphanet 618899, MedGen C5243927, MONDO:0100464.
Niemann-Pick disease, type B. Also called: Chronic Visceral ASMD (Niemann-Pick Disease Type B; NPD-B). Identifiers: Orphanet 77293, MedGen C0268243, MONDO:0011871, OMIM 607616. Disease mechanism: loss of function.
Niemann-Pick disease, type A. Also called: Infantile Neurovisceral ASMD (Niemann-Pick Disease Type A; NPD-A); SPHINGOMYELIN LIPIDOSIS; SPHINGOMYELINASE DEFICIENCY. Identifiers: Orphanet 77292, MedGen C0268242, MONDO:0009756, OMIM 257200. Disease mechanism: loss of function.

Allele frequency attached by ClinVar (database versions not stated): gnomAD exomes below 0.00001 and 0.00002; TOPMed 0.00002; gnomAD 0.00003.
gnomAD v4.1: 27 of 1,614,114 alleles (0.0017%); highest among the groups gnomAD compares: East Asian, 0.013%; no homozygotes.

Submissions (9):

Labcorp Genetics (formerly Invitae), Labcorp
Classification: Pathogenic for Niemann-Pick disease, type B; Niemann-Pick disease, type A. Last evaluated: 2026-01-14. Review status: criteria provided, single submitter. Criteria: Invitae Variant Classification Sherloc (09022015). Collection method: clinical testing. Allele origin: germline.
Comment: This sequence change replaces valine, which is neutral and non-polar, with methionine, which is neutral and non-polar, at codon 314 of the SMPD1 protein (p.Val314Met). This variant is present in population databases (no rsID available, gnomAD 0.002%). This missense change has been observed in individuals with acid sphingomyelinase deficiency (PMID: 20386867, 30153451, 30795770). ClinVar contains an entry for this variant (Variation ID: 556090). Invitae Evidence Modeling of protein sequence and biophysical properties (such as structural, functional, and spatial information, amino acid conservation, physicochemical variation, residue mobility, and thermodynamic stability) has been performed for this missense variant. However, the output from this modeling did not meet the statistical confidence thresholds required to predict the impact of this variant on SMPD1 protein function. Experimental studies have shown that this missense change affects SMPD1 function (PMID: 20386867). For these reasons, this variant has been classified as Pathogenic.

Natera, Inc.
Classification: Likely pathogenic for Niemann-Pick Disease, Types A/B. Last evaluated: 2025-10-09. Review status: criteria provided, single submitter. Criteria: Natera Variant Classification Schema (03/2026). Collection method: clinical testing. Allele origin: germline.
Comment: The c.940G>A variant in SMPD1 is a missense variant predicted to cause substitution of valine to methionine at amino acid 314. This variant is rare in the general population with a frequency below the threshold expected for the associated phenotype(s). This variant has been observed in one or more individuals affected with the associated recessive disease, as either homozygous or compound heterozygous with a second variant (PMID: 39177062, 30795770, 30153451, 20386867). Functional studies show that this variant may disrupt protein function (PMID: 20386867). Computational prediction algorithms indicate this variant is likely to affect gene or protein function. Given the available evidence, this variant is classified as Likely Pathogenic.

Myriad Genetics, Inc.
Classification: Likely pathogenic for Acid sphingomyelinase deficiency. Last evaluated: 2025-07-30. Review status: criteria provided, single submitter. Criteria: Myriad Autosomal Dominant, Autosomal Recessive and X-Linked Classification Criteria (2023). Collection method: clinical testing. Allele origin: unknown.
Comment: NM_000543.4(SMPD1):c.940G>A(V314M) is a missense variant classified as likely pathogenic in the context of Niemann-Pick disease, SMPD1-related. V314M has been observed in cases with relevant disease (PMID: 30795770, 30153451, 20386867, 39177062). Relevant functional assessments of this variant are available in the literature (PMID: 20386867). V314M has been observed in referenced population frequency databases. In summary, NM_000543.4(SMPD1):c.940G>A(V314M) is a missense variant that has been observed more frequently in cases with the relevant disease than in healthy populations. Please note: this variant was assessed in the context of healthy population screening.

GeneDx
Classification: Likely pathogenic. Last evaluated: 2024-12-04. Review status: criteria provided, single submitter. Criteria: GeneDx Variant Classification Process June 2021. Collection method: clinical testing. Allele origin: germline. Affected: yes.
Comment: Published functional studies demonstrate a deleterious effect on enzyme activity (PMID: 20386867); In silico analysis supports that this missense variant has a deleterious effect on protein structure/function; Not observed at significant frequency in large population cohorts (gnomAD); This variant is associated with the following publications: (PMID: 29140481, 27725636, 30153451, 30795770, 34426522, 20386867, Shahabi_2022)

Baylor Genetics
Classification: Pathogenic for Niemann-Pick disease, type A. Last evaluated: 2024-03-23. Review status: criteria provided, single submitter. Criteria: ACMG Guidelines, 2015. Collection method: clinical testing. Allele origin: unknown.

Women's Health and Genetics/Laboratory Corporation of America, LabCorp
Classification: Likely pathogenic for Niemann-Pick disease, type B. Last evaluated: 2024-03-21. Review status: criteria provided, single submitter. Criteria: LabCorp Variant Classification Summary - May 2015. Collection method: clinical testing. Allele origin: germline.
Comment: Variant summary: SMPD1 c.940G>A (p.Val314Met) results in a conservative amino acid change located in the Calcineurin-like phosphoesterase domain, ApaH type domain (IPR004843) of the encoded protein sequence. Four of five in-silico tools predict a damaging effect of the variant on protein function. The variant allele was found at a frequency of 4e-06 in 251476 control chromosomes (gnomAD). c.940G>A has been reported in the literature as homozygous and compound heterozygous genotypes in individuals affected with Niemann-Pick Disease Type B (example, Desnick_2010, Deodato_2018, Lipinski_2019). These data indicate that the variant is likely to be associated with disease. At least two publications report experimental evidence evaluating an impact on protein function (Desnick_2010, Lipinski_2019). The most pronounced variant effect results in 10%-<30% of normal activity. The following publications have been ascertained in the context of this evaluation (PMID: 30153451, 30795770, 27435900, 20386867). ClinVar contains an entry for this variant (Variation ID: 556090). Based on the evidence outlined above, the variant was classified as likely pathogenic.

Kariminejad - Najmabadi Pathology & Genetics Center
Classification: Likely pathogenic for Niemann-Pick disease, type A. Review status: criteria provided, single submitter. Criteria: ACMG Guidelines, 2015. Collection method: clinical testing. Allele origin: germline. Affected: no.

Eurofins Ntd Llc (ga)
Classification: Uncertain significance. Last evaluated: 2018-08-27. Review status: flagged submission. Criteria: EGL ClinVar v180209 classification definitions. Collection method: clinical testing. Allele origin: germline. Observed: 2 variant alleles, 2 heterozygotes. Not counted in ClinVar's aggregate classification.
ClinVar note: Reason: Older and outlier claim with insufficient supporting evidence

Counsyl
Classification: Uncertain significance for Niemann-Pick disease, type A. Last evaluated: 2018-01-11. Review status: flagged submission. Collection method: clinical testing. Allele origin: unknown. Not counted in ClinVar's aggregate classification.
ClinVar note: Reason: Older and outlier claim with insufficient supporting evidence

Literature cited by the submitters: PubMed 20386867 (cited by 5 submitters); PubMed 30153451 (cited by 4 submitters); PubMed 30795770 (cited by 4 submitters); PubMed 39177062 (cited by Natera, Inc. and Myriad Genetics, Inc.); PubMed 27435900 (cited by Women's Health and Genetics/Laboratory Corporation of America, LabCorp); PubMed 27725636 (cited by Counsyl).